The following is an entry in ClinVar:

ClinVar aggregate classification (germline): Likely pathogenic (1 of 4 stars; one submission).

Conditions:
Nemaline myopathy 2 (NEM2). Also called: Nemaline myopathy 2, autosomal recessive. Identifiers: MedGen C1850569, MONDO:0009725, OMIM 256030.

Submission:

Neuberg Centre For Genomic Medicine, NCGM
Classification: Likely pathogenic for Nemaline myopathy 2. Last evaluated: 2023-06-22. Review status: criteria provided, single submitter. Criteria: ACMG Guidelines, 2015. Collection method: clinical testing. Allele origin: germline. Inheritance: Autosomal recessive inheritance. Affected: yes.
Comment: The observed frameshift c.17777del(p.Gly5926ValfsTer24) variant in NEB gene has not been reported previously as a pathogenic variant nor as a benign variant, to our knowledge. This variant is absent in gnomAD Exomes. This variant causes a frameshift starting with codon Glycine 5926, changes this amino acid to Valine residue, and creates a premature Stop codon at position 24 of the new reading frame, denoted p.Gly5926ValfsTer24. This variant is predicted to cause loss of normal protein function through protein truncation. Loss of function variants have been previously reported to be disease causing (Lehtokari et al., 2014). For these reasons, this variant has been classified as Likely Pathogenic. In the absence of another reportable variant, the molecular diagnosis is not confirmed.

NM_001164508.2(NEB):c.17777del (p.Gly5926fs)

Gene: NEB (nebulin; minus strand). Cytogenetic location: 2q23.3.
Variant type: Deletion.
Coding change: c.17777del on transcript NM_001164508.2 (MANE Select); coding-DNA position 17777, one base deleted (G; older notation c.17777delG).
Protein change: p.Gly5926fs; shifts the reading frame from glycine 5926.
Molecular consequence: frameshift variant.
Genome position (GRCh38, 1-based): chr2:151,568,138, C deleted on the plus strand (G on the coding strand, the reverse complement: NEB is on the minus strand); the first of 2 consecutive C bases (chr2:151,568,138-151,568,139); deleting either gives the same sequence. VCF-style (leftmost placement, unchanged base first): chr2-151568137-AC-A. GRCh37 (hg19) VCF-style: chr2-152424651-AC-A.
Other names: c.17777del, p.Gly5926fs (NM_001164507.2, NM_001271208.2); c.12674del, p.Gly4225fs (NM_004543.5); short protein forms G4225fs, G5926fs.
Identifiers: ClinVar variation 3731504 (VCV003731504.1).
Genomic context (GRCh38, chr2:151,568,137, plus strand): 5'-CTGAACGTCATTGCAGTGATGGGCATGAACAAATGGCACAGCATCTGGAGGCAAAATGTA[AC>A]CTGTGGCTTTTTGTCTCTCCCAGCCTTCCTTGTAGAGATACTGAAAGACAGAGCCACCAT-3'